The following is an entry in ClinVar:

NM_020433.5(JPH2):c.1735C>T (p.Pro579Ser)

Gene: JPH2 (junctophilin 2; minus strand). Cytogenetic location: 20q13.12.
Variant type: single nucleotide variant.
Coding change: c.1735C>T on transcript NM_020433.5 (MANE Select); coding-DNA position 1735, C replaced by T.
Protein change: p.Pro579Ser; replaces proline 579 with serine.
Molecular consequence: missense variant.
Genome position (GRCh38, 1-based): chr20:44,115,940, G>A on the plus strand (C>T on the coding strand, the complement: JPH2 is on the minus strand). VCF-style: chr20-44115940-G-A. GRCh37 (hg19) VCF-style: chr20-42744580-G-A.
Other names: short protein forms P579S.
Identifiers: ClinVar variation 4690615 (VCV004690615.1).

ClinVar aggregate classification (germline): Uncertain significance (1 of 4 stars; one submission).

Conditions:
Hypertrophic cardiomyopathy. Also called: HYPERTROPHIC MYOCARDIOPATHY. Identifiers: Orphanet 217569, MedGen C0007194, MeSH D002312, MONDO:0005045, HP:0001639.

Submission:

Labcorp Genetics (formerly Invitae), Labcorp
Classification: Uncertain significance for Hypertrophic cardiomyopathy. Last evaluated: 2025-12-16. Review status: criteria provided, single submitter. Criteria: Invitae Variant Classification Sherloc (09022015). Collection method: clinical testing. Allele origin: germline.
Comment: This sequence change replaces proline, which is neutral and non-polar, with serine, which is neutral and polar, at codon 579 of the JPH2 protein (p.Pro579Ser). This variant is not present in population databases (gnomAD no frequency). This variant has not been reported in the literature in individuals affected with JPH2-related conditions. An algorithm developed to predict the effect of missense changes on protein structure and function (PolyPhen-2) suggests that this variant is likely to be tolerated. In summary, the available evidence is currently insufficient to determine the role of this variant in disease. Therefore, it has been classified as a Variant of Uncertain Significance.